The following is an entry in ClinVar:

ClinVar aggregate classification (germline): Pathogenic (1 of 4 stars; one submission).

Conditions:
Developmental and epileptic encephalopathy, 11 (DEE11). Also called: Early infantile epileptic encephalopathy 11. Identifiers: Orphanet 1934, MedGen C3150987, MONDO:0013388, OMIM 613721.
Seizures, benign familial infantile, 3 (BFIS3). Also called: CONVULSIONS, BENIGN FAMILIAL INFANTILE, 3; Familial neonatal seizures. Identifiers: Orphanet 140927, Orphanet 306, MedGen C1843140, MONDO:0011904, OMIM 607745.

Submission:

Labcorp Genetics (formerly Invitae), Labcorp
Classification: Pathogenic for Seizures, benign familial infantile, 3; Developmental and epileptic encephalopathy, 11. Last evaluated: 2025-03-31. Review status: criteria provided, single submitter. Criteria: Invitae Variant Classification Sherloc (09022015). Collection method: clinical testing. Allele origin: germline.
Comment: This sequence change creates a premature translational stop signal (p.Arg1638*) in the SCN2A gene. While this is not anticipated to result in nonsense mediated decay, it is expected to disrupt the last 368 amino acid(s) of the SCN2A protein. Information on the frequency of this variant in the gnomAD database is not available, as this variant may be reported differently in the database. This variant has not been reported in the literature in individuals affected with SCN2A-related conditions. This variant disrupts a region of the SCN2A protein in which other variant(s) (p.Lys1890Asn) have been determined to be pathogenic (internal data). This suggests that this is a clinically significant region of the protein, and that variants that disrupt it are likely to be disease-causing. For these reasons, this variant has been classified as Pathogenic.

NM_001040142.2(SCN2A):c.4912_4914delinsTGA (p.Arg1638Ter)

Gene: SCN2A (sodium voltage-gated channel alpha subunit 2; plus strand). Cytogenetic location: 2q24.3.
Variant type: Indel.
Coding change: c.4912_4914delinsTGA on transcript NM_001040142.2 (MANE Select); coding-DNA positions 4912 to 4914, CGT replaced by TGA.
Protein change: p.Arg1638Ter; replaces arginine 1638 with a stop codon.
Molecular consequence: nonsense.
Genome position (GRCh38, 1-based): chr2:165,388,718-165,388,720, CGT replaced by TGA. VCF-style: chr2-165388718-CGT-TGA. GRCh37 (hg19) VCF-style: chr2-166245228-CGT-TGA.
Other names: c.4912_4914delinsTGA, p.Arg1638Ter (NM_001040143.2, NM_001371246.1, NM_001371247.1 and 1 more transcripts); short protein forms R1638*.
Identifiers: ClinVar variation 4791937 (VCV004791937.1).
Genomic context (GRCh38, chr2:165,388,718, plus strand): 5'-TATTTTGTGTCCCCTACCCTGTTCCGAGTGATCCGTCTTGCCAGGATTGGCCGAATCCTA[CGT>TGA]CTGATCAAAGGAGCAAAGGGGATCCGCACGCTGCTCTTTGCTTTGATGATGTCCCTTCCT-3'